The following is an entry in ClinVar:

NM_006306.4(SMC1A):c.1877G>A (p.Arg626His)

Gene: SMC1A (structural maintenance of chromosomes 1A; minus strand). Cytogenetic location: Xp11.22.
Variant type: single nucleotide variant.
Coding change: c.1877G>A on transcript NM_006306.4 (MANE Select); coding-DNA position 1877, G replaced by A.
Protein change: p.Arg626His; replaces arginine 626 with histidine.
Molecular consequence: missense variant.
Genome position (GRCh38, 1-based): chrX:53,405,527, C>T on the plus strand (G>A on the coding strand, the complement: SMC1A is on the minus strand). VCF-style: chrX-53405527-C-T. GRCh37 (hg19) VCF-style: chrX-53432459-C-T.
Other names: c.1811G>A, p.Arg604His (NM_001281463.1); short protein forms R626H, R604H.
Identifiers: ClinVar variation 159945 (VCV000159945.16), dbSNP rs587784407, ClinGen allele CA272526.

ClinVar aggregate classification (germline): Likely pathogenic. Review status: criteria provided, multiple submitters, no conflicts (2 of 4 stars). 2 submissions from 2 submitters: Likely pathogenic (2). Last evaluated 2024-09-05.

Conditions:
Congenital muscular hypertrophy-cerebral syndrome (CDLS2). Also called: SMC1A-Related Cornelia de Lange Syndrome; Cornelia de Lange syndrome 2. Identifiers: Orphanet 199, MedGen C1802395, MONDO:0010370, OMIM 300590.

Allele frequency attached by ClinVar (database versions not stated): gnomAD exomes below 0.00001.
gnomAD v4.1: 1 of 1,212,102 alleles (0.000083%); highest among the groups gnomAD compares: Non-Finnish European, 0.00011%; no homozygotes.

Submissions (2):

Labcorp Genetics (formerly Invitae), Labcorp
Classification: Likely pathogenic for Congenital muscular hypertrophy-cerebral syndrome. Last evaluated: 2024-09-05. Review status: criteria provided, single submitter. Criteria: Invitae Variant Classification Sherloc (09022015). Collection method: clinical testing. Allele origin: germline.
Comment: This sequence change replaces arginine, which is basic and polar, with histidine, which is basic and polar, at codon 626 of the SMC1A protein (p.Arg626His). This variant is not present in population databases (gnomAD no frequency). This missense change has been observed in individual(s) with clinical features of Cornelia de Lange syndrome (internal data). ClinVar contains an entry for this variant (Variation ID: 159945). Invitae Evidence Modeling of protein sequence and biophysical properties (such as structural, functional, and spatial information, amino acid conservation, physicochemical variation, residue mobility, and thermodynamic stability) indicates that this missense variant is expected to disrupt SMC1A protein function with a positive predictive value of 80%. In summary, the currently available evidence indicates that the variant is pathogenic, but additional data are needed to prove that conclusively. Therefore, this variant has been classified as Likely Pathogenic.

Genetic Services Laboratory, University of Chicago
Classification: Likely pathogenic for Cornelia de Lange syndrome 2. Last evaluated: 2013-10-07. Review status: criteria provided, single submitter. Criteria: ACMG Guidelines, 2007. Collection method: clinical testing. Allele origin: germline. Inheritance: X-linked inheritance. Affected: yes.